The following is an entry in ClinVar:

NM_198859.4(PRICKLE2):c.2464T>C (p.Ser822Pro)

Genes: PRICKLE2 (prickle planar cell polarity protein 2; minus strand), PRICKLE2-AS1 (PRICKLE2 antisense RNA 1; plus strand). Cytogenetic location: 3p14.1.
Variant type: single nucleotide variant.
Coding change: c.2464T>C on transcript NM_198859.4 (MANE Select); coding-DNA position 2464, T replaced by C.
Protein change: p.Ser822Pro; replaces serine 822 with proline.
Molecular consequence: missense variant. On other transcripts: non-coding transcript variant (1).
Genome position (GRCh38, 1-based): chr3:64,099,122, A>G on the plus strand (T>C on the coding strand, the complement: PRICKLE2 is on the minus strand). VCF-style: chr3-64099122-A-G. GRCh37 (hg19) VCF-style: chr3-64084798-A-G.
Other names: c.2464T>C, p.Ser822Pro (NM_001370528.1); short protein forms S822P.
Identifiers: ClinVar variation 3645505 (VCV003645505.2).

ClinVar aggregate classification (germline): Uncertain significance (1 of 4 stars; one submission).

Conditions:
Progressive myoclonic epilepsy type 5. Identifiers: Orphanet 402082, MedGen C5190799.

Submission:

Labcorp Genetics (formerly Invitae), Labcorp
Classification: Uncertain significance for Progressive myoclonic epilepsy type 5. Last evaluated: 2024-03-20. Review status: criteria provided, single submitter. Criteria: Invitae Variant Classification Sherloc (09022015). Collection method: clinical testing. Allele origin: germline.
Comment: This sequence change replaces serine, which is neutral and polar, with proline, which is neutral and non-polar, at codon 822 of the PRICKLE2 protein (p.Ser822Pro). This variant is not present in population databases (gnomAD no frequency). This variant has not been reported in the literature in individuals affected with PRICKLE2-related conditions. An algorithm developed to predict the effect of missense changes on protein structure and function (PolyPhen-2) suggests that this variant is likely to be tolerated. In summary, the available evidence is currently insufficient to determine the role of this variant in disease. Therefore, it has been classified as a Variant of Uncertain Significance.